The following is an entry in ClinVar:

NM_007194.4(CHEK2):c.1567dup (p.Arg523fs)

Gene: CHEK2 (checkpoint kinase 2; minus strand). Cytogenetic location: 22q12.1.
Variant type: Duplication.
Coding change: c.1567dup on transcript NM_007194.4 (MANE Select); coding-DNA position 1567, one base duplicated (C; older notation c.1567dupC).
Protein change: p.Arg523fs; shifts the reading frame from arginine 523.
Molecular consequence: frameshift variant.
Genome position (GRCh38, 1-based): chr22:28,687,962, G duplicated on the plus strand (C on the coding strand, the reverse complement: CHEK2 is on the minus strand); the first of 4 consecutive G bases (chr22:28,687,962-28,687,965); duplicating any one gives the same sequence. VCF-style (leftmost placement, unchanged base first): chr22-28687961-C-CG. GRCh37 (hg19) VCF-style: chr22-29083949-C-CG.
Other names: c.1693dup, p.Arg566Profs (NM_001005735.3); c.901dup, p.Arg302Profs (NM_001257387.3); c.1363dup, p.Arg456Profs (NM_001349956.3); c.1477dup, p.Arg494Profs (NM_145862.3); short protein forms R302fs, R523fs, R456fs, R494fs, R566fs.
Identifiers: ClinVar variation 1369056 (VCV001369056.7), dbSNP rs587782684, ClinGen allele CA2573157924.
Genomic context (GRCh38, chr22:28,687,961, plus strand): 5'-AACACAGCAGCACACACAGCTGGGCGCTTTGTGGTCTCGGCACCCTCGGCTTCCCCTTCA[C>CG]GGGGCCGCTTTCGACTAGTAGAAGGCTGAAAATAAAGGAAAATGGAGAAATGTTCAAAAG-3'

ClinVar aggregate classification (germline): Uncertain significance (1 of 4 stars; one submission).

Conditions:
Familial cancer of breast. Also called: hereditary breast carcinoma; Hereditary breast cancer; BREAST CANCER, FAMILIAL. Identifiers: Orphanet 227535, MedGen C0346153, MONDO:0016419, OMIM 114480. Disease mechanism: loss of function.

Submission:

Labcorp Genetics (formerly Invitae), Labcorp
Classification: Uncertain significance for Familial cancer of breast. Last evaluated: 2024-04-22. Review status: criteria provided, single submitter. Criteria: Invitae Variant Classification Sherloc (09022015). Collection method: clinical testing. Allele origin: germline.
Comment: This sequence change creates a premature translational stop signal (p.Arg523Profs*2) in the CHEK2 gene. While this is not anticipated to result in nonsense mediated decay, it is expected to disrupt the last 21 amino acid(s) of the CHEK2 protein. This variant is not present in population databases (gnomAD no frequency). This variant has not been reported in the literature in individuals affected with CHEK2-related conditions. ClinVar contains an entry for this variant (Variation ID: 1369056). In summary, the available evidence is currently insufficient to determine the role of this variant in disease. Therefore, it has been classified as a Variant of Uncertain Significance.